The following is an entry in ClinVar:

NM_007194.4(CHEK2):c.1260-6del

Gene: CHEK2 (checkpoint kinase 2; minus strand). Cytogenetic location: 22q12.1.
Variant type: Deletion.
Coding change: c.1260-6del on transcript NM_007194.4 (MANE Select); 6 bases into the intron before coding-DNA position 1260, one base deleted (A; older notation c.1260-6delA).
Molecular consequence: intron variant.
Genome position (GRCh38, 1-based): chr22:28,695,248, T deleted on the plus strand (A on the coding strand, the reverse complement: CHEK2 is on the minus strand). VCF-style (leftmost placement, unchanged base first): chr22-28695247-AT-A. GRCh37 (hg19) VCF-style: chr22-29091235-AT-A.
Other names: c.1260-6del (NM_007194.3); c.597-6del (NM_001437942.1, NM_001257387.3); c.1059-6del (NM_001349956.3); c.1173-6del (NM_145862.3); c.1266-6del (NM_001438295.1); c.1353-6del (NM_001438293.1); c.1302-6del (NM_001438294.1); c.1389-6del (NM_001005735.3); and 1 more.
Identifiers: ClinVar variation 240731 (VCV000240731.20), dbSNP rs878854912, ClinGen allele CA10583898.

ClinVar aggregate classification (germline): Conflicting classifications of pathogenicity. Review status: criteria provided, conflicting classifications (1 of 4 stars). 7 submissions from 7 submitters: Uncertain significance (2); Likely benign (4). 1 of the submissions does not count toward it. Last evaluated 2025-12-23.

Conditions:
Hereditary cancer-predisposing syndrome. Also called: Tumor predisposition; Neoplastic Syndromes, Hereditary; Hereditary Cancer Syndrome; Hereditary neoplastic syndrome. Identifiers: Orphanet 140162, MedGen C0027672, MeSH D009386, MONDO:0015356.
Familial cancer of breast. Also called: Hereditary breast cancer; BREAST CANCER, FAMILIAL; hereditary breast carcinoma. Identifiers: Orphanet 227535, MedGen C0346153, MONDO:0016419, OMIM 114480. Disease mechanism: loss of function.

Submissions (7):

Labcorp Genetics (formerly Invitae), Labcorp
Classification: Likely benign for Familial cancer of breast. Last evaluated: 2025-12-23. Review status: criteria provided, single submitter. Criteria: Invitae Variant Classification Sherloc (09022015). Collection method: clinical testing. Allele origin: germline.

Institute for Biomarker Research, Medical Diagnostic Laboratories, L.L.C.
Classification: Likely benign for Hereditary cancer-predisposing syndrome. Last evaluated: 2025-04-18. Review status: criteria provided, single submitter. Criteria: ACMG Guidelines, 2015. Collection method: clinical testing. Allele origin: germline.
Comment: The splice region variant NM_001005735.2(CHEK2):c.1389-6delA has not been reported previously as a pathogenic variant, to our knowledge. The c.1389-6delA variant is novel (not in any individuals) in gnomAD. The c.1389-6delA variant is novel (not in any individuals) in 1kG. The c.1389-6delA variant is not predicted to disrupt the existing acceptor splice site 4bp upstream by any splice site algorithm. For these reasons, this variant has been classified as Likely Benign

GeneDx
Classification: Uncertain significance. Last evaluated: 2023-06-22. Review status: criteria provided, single submitter. Criteria: GeneDx Variant Classification Process June 2021. Collection method: clinical testing. Allele origin: germline. Affected: yes.
Comment: Not observed at significant frequency in large population cohorts (gnomAD); Has not been previously published as pathogenic or benign to our knowledge; In silico analysis is inconclusive as to whether the variant alters gene splicing. In the absence of RNA/functional studies, the actual effect of this sequence change is unknown.

Myriad Genetics, Inc.
Classification: Likely benign for Familial cancer of breast. Last evaluated: 2023-03-08. Review status: criteria provided, single submitter. Criteria: Myriad Autosomal Dominant, Autosomal Recessive and X-Linked Classification Criteria (2023). Collection method: clinical testing. Allele origin: unknown.
Comment: This variant is considered likely benign. This variant is intronic and is not expected to impact mRNA splicing.

Sema4
Classification: Uncertain significance for Hereditary cancer-predisposing syndrome. Last evaluated: 2021-10-21. Review status: criteria provided, single submitter. Criteria: Sema4 Curation Guidelines. Collection method: curation. Allele origin: germline.
Comment: The CHEK2 c.1260-6delA variant has not been reported in the literature to our knowledge. It was not observed in the large and broad cohorts of the Genome Aggregation Database. The variant has been reported in ClinVar (Variation ID 240731). This variant does not overlap a splice site and algorithms developed to predict the effect of sequence changes on RNA splicing do not suggest negative effect on normal splicing. However, these predictions have not been confirmed by published functional studies. There is no indication that this variant causes disease, but the evidence is insufficient currently to prove that conclusively. Thus, the clinical significance of this variant is currently uncertain.

Color Diagnostics, LLC DBA Color Health
Classification: Likely benign for Hereditary cancer-predisposing syndrome. Last evaluated: 2017-03-01. Review status: criteria provided, single submitter. Criteria: ACMG Guidelines, 2015. Collection method: clinical testing. Allele origin: germline.

Counsyl
Classification: Likely benign for Familial cancer of breast. Last evaluated: 2016-08-31. Review status: no assertion criteria provided. Collection method: clinical testing. Allele origin: unknown. Not counted in ClinVar's aggregate classification.